The following is an entry in ClinVar:

ClinVar aggregate classification (germline): Pathogenic (1 of 4 stars; one submission).

Conditions:
Marfan syndrome (MFS). Also called: MARFAN SYNDROME, TYPE I; Marfan syndrome type 1; Marfan's syndrome; Marfan syndrome, classic; FBN1-Related Marfan Syndrome. Identifiers: Orphanet 284963, Orphanet 558, MedGen C0024796, MONDO:0007947, OMIM 154700.
Familial thoracic aortic aneurysm and aortic dissection (TAAD). Also called: Thoracic aortic aneurysms and dissections. Identifiers: Orphanet 91387, MedGen C4707243, MONDO:0019625.

Submission:

Labcorp Genetics (formerly Invitae), Labcorp
Classification: Pathogenic for Marfan syndrome; Familial thoracic aortic aneurysm and aortic dissection. Last evaluated: 2021-10-20. Review status: criteria provided, single submitter. Criteria: Invitae Variant Classification Sherloc (09022015). Collection method: clinical testing. Allele origin: germline.
Comment: For these reasons, this variant has been classified as Pathogenic. This variant has not been reported in the literature in individuals affected with FBN1-related conditions. This variant is not present in population databases (gnomAD no frequency). This sequence change creates a premature translational stop signal (p.Tyr2661*) in the FBN1 gene. It is expected to result in an absent or disrupted protein product. Loss-of-function variants in FBN1 are known to be pathogenic (PMID: 17657824, 19293843).

Literature cited by the submitters: PubMed 17657824; PubMed 19293843.

NM_000138.5(FBN1):c.7983T>A (p.Tyr2661Ter)

Gene: FBN1 (fibrillin 1; minus strand). Cytogenetic location: 15q21.1.
Variant type: single nucleotide variant.
Coding change: c.7983T>A on transcript NM_000138.5 (MANE Select); coding-DNA position 7983, T replaced by A.
Protein change: p.Tyr2661Ter; replaces tyrosine 2661 with a stop codon.
Molecular consequence: nonsense.
Genome position (GRCh38, 1-based): chr15:48,415,604, A>T on the plus strand (T>A on the coding strand, the complement: FBN1 is on the minus strand). VCF-style: chr15-48415604-A-T. GRCh37 (hg19) VCF-style: chr15-48707801-A-T.
Other names: short protein forms Y2661*.
Identifiers: ClinVar variation 1455894 (VCV001455894.6), dbSNP rs2141214712, ClinGen allele CA392322803.